The following is an entry in ClinVar:

ClinVar aggregate classification (germline): Benign. Review status: reviewed by expert panel (3 of 4 stars). 2 submissions from 2 submitters: Benign (1). 1 of the submissions does not count toward it. Last evaluated 2015-01-12.

Conditions:
Breast-ovarian cancer, familial, susceptibility to, 2 (BROVCA2). Also called: BRCA2 Hereditary Breast and Ovarian Cancer. Identifiers: Orphanet 145, MedGen C2675520, MONDO:0012933, OMIM 612555. Disease mechanism: loss of function.

Allele frequency attached by ClinVar (database versions not stated): 1000 Genomes Project 0.00599; 1000 Genomes Project 30x 0.00625; TOPMed 0.01428; gnomAD 0.01649 and 0.01715; gnomAD exomes 0.01841.
gnomAD v4.1: 3,725 of 216,868 alleles (1.7%); highest among the groups gnomAD compares: Non-Finnish European, 2.4%; 52 homozygotes.

Submissions (2):

Evidence-based Network for the Interpretation of Germline Mutant Alleles (ENIGMA)
Classification: Benign for Breast-ovarian cancer, familial 2. Last evaluated: 2015-01-12. Review status: reviewed by expert panel. Criteria: ENIGMA BRCA1/2 Classification Criteria (2015). Collection method: curation. Allele origin: germline.
Comment: Class 1 not pathogenic based on frequency >1% in an outbred sampleset. Frequency 0.02243 (European), derived from 1000 genomes (2012-04-30).

Breakthrough Genomics
Classification: Benign. Review status: criteria provided, single submitter. Criteria: ACMG Guidelines, 2015. Collection method: not provided. Allele origin: germline. Inheritance: Autosomal recessive inheritance. Affected: yes. Not counted in ClinVar's aggregate classification.

NM_000059.4(BRCA2):c.9256+5256G>A

Gene: BRCA2 (BRCA2 DNA repair associated; plus strand). Cytogenetic location: 13q13.1.
Variant type: single nucleotide variant.
Coding change: c.9256+5256G>A on transcript NM_000059.4 (MANE Select); 5256 bases into the intron after coding-DNA position 9256, G replaced by A.
Molecular consequence: intron variant.
Genome position (GRCh38, 1-based): chr13:32,385,401, G>A. VCF-style: chr13-32385401-G-A. GRCh37 (hg19) VCF-style: chr13-32959538-G-A.
Other names: IVS 24+5256G>A.
Identifiers: ClinVar variation 209871 (VCV000209871.2), dbSNP rs34925070, ClinGen allele CA276839.